The following is an entry in ClinVar:

NM_001040142.2(SCN2A):c.425A>G (p.Asn142Ser)

Gene: SCN2A (sodium voltage-gated channel alpha subunit 2; plus strand). Cytogenetic location: 2q24.3.
Variant type: single nucleotide variant.
Coding change: c.425A>G on transcript NM_001040142.2 (MANE Select); coding-DNA position 425, A replaced by G.
Protein change: p.Asn142Ser; replaces asparagine 142 with serine.
Molecular consequence: missense variant.
Genome position (GRCh38, 1-based): chr2:165,307,886, A>G. VCF-style: chr2-165307886-A-G. GRCh37 (hg19) VCF-style: chr2-166164396-A-G.
Other names: c.425A>G, p.Asn142Ser (NM_001040143.2, NM_001371246.1, NM_001371247.1 and 1 more transcripts); short protein forms N142S.
Identifiers: ClinVar variation 2429640 (VCV002429640.1), dbSNP rs2467880920, ClinGen allele CA349015130.

ClinVar aggregate classification (germline): Uncertain significance (1 of 4 stars; one submission).

Submission:

GeneDx
Classification: Uncertain significance. Last evaluated: 2022-08-09. Review status: criteria provided, single submitter. Criteria: GeneDx Variant Classification Process June 2021. Collection method: clinical testing. Allele origin: germline. Affected: yes.
Comment: In silico analysis supports that this missense variant has a deleterious effect on splicing; In silico analysis supports that this missense variant has a deleterious effect on protein structure/function; Has not been previously published as pathogenic or benign to our knowledge; Not observed at significant frequency in large population cohorts (gnomAD); Missense variants in this gene are often considered pathogenic (HGMD); This substitution is predicted to be within the transmembrane segment S1 of the first homologous domain